The following is an entry in ClinVar:

ClinVar aggregate classification (germline): Uncertain significance (1 of 4 stars; one submission).

Conditions:
Epidermolysis bullosa simplex with nail dystrophy (EBS5D). Identifiers: MedGen C4225309, MONDO:0014661, OMIM 616487.
Epidermolysis bullosa simplex, Ogna type (EBS5A). Also called: EPIDERMOLYSIS BULLOSA SIMPLEX 5A, OGNA TYPE; Pidermolysis bullosa simplex 5A, Ogna type. Identifiers: Orphanet 79401, MedGen C0432317, MONDO:0007555, OMIM 131950.
Epidermolysis bullosa simplex 5C, with pyloric atresia (EBS5C). Also called: PLEC1-Related Epidermolysis Bullosa with Pyloric Atresia; PLEC-Related Epidermolysis Bullosa with Pyloric Atresia; Epidermolysis bullosa simplex with pyloric atresia. Identifiers: Orphanet 158684, MedGen C2677349, MONDO:0012807, OMIM 612138.
Autosomal recessive limb-girdle muscular dystrophy type 2Q (LGMDR17). Also called: MUSCULAR DYSTROPHY, LIMB-GIRDLE, AUTOSOMAL RECESSIVE 17. Identifiers: Orphanet 254361, MedGen C3150989, MONDO:0013390, OMIM 613723.
Epidermolysis bullosa simplex 5B, with muscular dystrophy (EBS5B). Also called: EPIDERMOLYSIS BULLOSA SIMPLEX AND LIMB-GIRDLE MUSCULAR DYSTROPHY; Epidermolysis bullosa simplex with muscular dystrophy. Identifiers: Orphanet 257, MedGen C2931072, MONDO:0009181, OMIM 226670.

Allele frequency attached by ClinVar (database versions not stated): TOPMed below 0.00001.
gnomAD v4.1: 1 of 1,611,826 alleles (0.000062%); highest among the groups gnomAD compares: East Asian, 0.0022%; no homozygotes.

Submission:

Labcorp Genetics (formerly Invitae), Labcorp
Classification: Uncertain significance for Autosomal recessive limb-girdle muscular dystrophy type 2Q; Epidermolysis bullosa simplex, Ogna type; Epidermolysis bullosa simplex with nail dystrophy; Epidermolysis bullosa simplex 5C, with pyloric atresia; Epidermolysis bullosa simplex 5B, with muscular dystrophy. Last evaluated: 2025-01-08. Review status: criteria provided, single submitter. Criteria: Invitae Variant Classification Sherloc (09022015). Collection method: clinical testing. Allele origin: germline.
Comment: This sequence change replaces serine, which is neutral and polar, with arginine, which is basic and polar, at codon 3606 of the PLEC protein (p.Ser3606Arg). This variant is not present in population databases (gnomAD no frequency). This variant has not been reported in the literature in individuals affected with PLEC-related conditions. ClinVar contains an entry for this variant (Variation ID: 2923188). An algorithm developed to predict the effect of missense changes on protein structure and function (PolyPhen-2) suggests that this variant is likely to be tolerated. In summary, the available evidence is currently insufficient to determine the role of this variant in disease. Therefore, it has been classified as a Variant of Uncertain Significance.

NM_201384.3(PLEC):c.10735A>C (p.Ser3579Arg)

Gene: PLEC (plectin; minus strand). Cytogenetic location: 8q24.3.
Variant type: single nucleotide variant.
Coding change: c.10735A>C on transcript NM_201384.3 (MANE Select); coding-DNA position 10735, A replaced by C.
Protein change: p.Ser3579Arg; replaces serine 3579 with arginine.
Molecular consequence: missense variant.
Genome position (GRCh38, 1-based): chr8:143,919,086, T>G on the plus strand (A>C on the coding strand, the complement: PLEC is on the minus strand). VCF-style: chr8-143919086-T-G. GRCh37 (hg19) VCF-style: chr8-144993254-T-G.
Other names: c.10816A>C, p.Ser3606Arg (NM_000445.5); c.7435A>C, p.Ser2479Arg (NM_001410941.1); c.10693A>C, p.Ser3565Arg (NM_201378.4); c.10669A>C, p.Ser3557Arg (NM_201379.3); c.11146A>C, p.Ser3716Arg (NM_201380.4); c.10639A>C, p.Ser3547Arg (NM_201381.3); c.10735A>C, p.Ser3579Arg (NM_201382.4); c.10747A>C, p.Ser3583Arg (NM_201383.3); short protein forms S3565R, S3579R, S3716R, S3547R, S2479R, S3557R, S3583R, S3606R.
Identifiers: ClinVar variation 2923188 (VCV002923188.3), dbSNP rs1821596301, ClinGen allele CA372496923.